The following is an entry in ClinVar:

NM_004230.4(S1PR2):c.744C>A (p.Pro248=)

Gene: S1PR2 (sphingosine-1-phosphate receptor 2; minus strand). Cytogenetic location: 19p13.2.
Variant type: single nucleotide variant.
Coding change: c.744C>A on transcript NM_004230.4 (MANE Select); coding-DNA position 744, C replaced by A.
Protein change: p.Pro248=; no amino-acid change (proline 248 retained).
Molecular consequence: synonymous variant.
Genome position (GRCh38, 1-based): chr19:10,224,162, G>T on the plus strand (C>A on the coding strand, the complement: S1PR2 is on the minus strand). VCF-style: chr19-10224162-G-T. GRCh37 (hg19) VCF-style: chr19-10334838-G-T.
Identifiers: ClinVar variation 1206711 (VCV001206711.28), dbSNP rs141379245, ClinGen allele CA9189027.
Genomic context (GRCh38, chr19:10,224,162, plus strand): 5'-GTAGAGGATCGGGCAGGAGTGGACGGGACAGGCATAGTCCAGAAGGAGGATGCTGAAGGC[G>T]GGCAGCCAGCAGACGATAAAGACGCCTAGCACGATGGTGACCGTCTTGAGCAGGGCTAGC-3'
Protein context (NP_004221.3, residues 238-258): VLGVFIVCWL[Pro248=]AFSILLLDYA

ClinVar aggregate classification (germline): Likely benign. Review status: criteria provided, multiple submitters, no conflicts (2 of 4 stars). 5 submissions from 5 submitters: Likely benign (5). Last evaluated 2025-04-08.

Conditions:
S1PR2-related disorder. Also called: S1PR2-related condition.

Allele frequency attached by ClinVar (database versions not stated): ESP Exome Variant Server 0.00046.

Submissions (6):

PreventionGenetics, part of Exact Sciences
Classification: Likely benign for S1PR2-related condition. Last evaluated: 2025-04-08. Review status: criteria provided, single submitter. Criteria: ACMG Guidelines, 2015. Collection method: clinical testing. Allele origin: germline.
Comment: This variant is classified as likely benign based on ACMG/AMP sequence variant interpretation guidelines (Richards et al. 2015 PMID: 25741868, with internal and published modifications).

Labcorp Genetics (formerly Invitae), Labcorp
Classification: Likely benign. Last evaluated: 2024-11-25. Review status: criteria provided, single submitter. Criteria: Invitae Variant Classification Sherloc (09022015). Collection method: clinical testing. Allele origin: germline.

Blueprint Genetics
Classification: Likely benign. Last evaluated: 2024-10-04. Review status: criteria provided, single submitter. Criteria: ACMG Guidelines, 2015. Collection method: clinical testing. Allele origin: germline.

CeGaT Center for Human Genetics Tuebingen
Classification: Likely benign. Last evaluated: 2024-10-01. Review status: criteria provided, single submitter. Criteria: CeGaT Center For Human Genetics Tuebingen Variant Classification Criteria Version 2. Collection method: clinical testing. Allele origin: germline. Affected: yes. Observed: 1 variant allele.
Comment: S1PR2: BP4, BP7

GeneDx
Classification: Likely benign. Last evaluated: 2020-01-10. Review status: criteria provided, single submitter. Criteria: GeneDx Variant Classification Process June 2021. Collection method: clinical testing. Allele origin: germline. Affected: yes.

Dr. Peter K. Rogan Lab, Western University
No classification provided (evidence only). Condition: Melanoma. Review status: no classification provided. Collection method: in vitro. Allele origin: not applicable. Functional consequence: retained intron. Not counted in ClinVar's aggregate classification.